The following is an entry in ClinVar:

NM_052947.4(ALPK2):c.3164T>A (p.Val1055Glu)

Gene: ALPK2 (alpha kinase 2; minus strand). Cytogenetic location: 18q21.31.
Variant type: single nucleotide variant.
Coding change: c.3164T>A on transcript NM_052947.4 (MANE Select); coding-DNA position 3164, T replaced by A.
Protein change: p.Val1055Glu; replaces valine 1055 with glutamic acid.
Molecular consequence: missense variant.
Genome position (GRCh38, 1-based): chr18:58,537,023, A>T on the plus strand (T>A on the coding strand, the complement: ALPK2 is on the minus strand). VCF-style: chr18-58537023-A-T. GRCh37 (hg19) VCF-style: chr18-56204255-A-T.
Other names: short protein forms V1055E.
Identifiers: ClinVar variation 2449283 (VCV002449283.2), dbSNP rs2144147987, ClinGen allele CA402568969.

ClinVar aggregate classification (germline): Uncertain significance (1 of 4 stars; one submission).

Submission:

Ambry Genetics
Classification: Uncertain significance. Last evaluated: 2023-02-18. Review status: criteria provided, single submitter. Criteria: Ambry Variant Classification Scheme 2023. Collection method: clinical testing. Allele origin: germline.
Comment: The p.V1055E variant (also known as c.3164T>A), located in coding exon 4 of the ALPK2 gene, results from a T to A substitution at nucleotide position 3164. The valine at codon 1055 is replaced by glutamic acid, an amino acid with dissimilar properties. This amino acid position is conserved. In addition, this alteration is predicted to be tolerated by in silico analysis. Since supporting evidence is limited at this time, the clinical significance of this alteration remains unclear.